The following is an entry in ClinVar:

NM_022124.6(CDH23):c.9468G>C (p.Leu3156=)

Gene: CDH23 (cadherin related 23; plus strand). Cytogenetic location: 10q22.1.
Variant type: single nucleotide variant.
Coding change: c.9468G>C on transcript NM_022124.6 (MANE Select); coding-DNA position 9468, G replaced by C.
Protein change: p.Leu3156=; no amino-acid change (leucine 3156 retained).
Molecular consequence: synonymous variant.
Genome position (GRCh38, 1-based): chr10:71,812,567, G>C. VCF-style: chr10-71812567-G-C. GRCh37 (hg19) VCF-style: chr10-73572324-G-C.
Other names: c.2748G>C, p.Leu916= (NM_001171933.1, NM_001171934.1); c.159G>C, p.Leu53= (NM_001171935.1, NM_001171936.1).
Identifiers: ClinVar variation 3044087 (VCV003044087.2), dbSNP rs760828784, ClinGen allele CA5547088.

ClinVar aggregate classification (germline): Likely benign (0 of 4 stars; one submission).

Conditions:
CDH23-related disorder. Also called: CDH23-related disorders; CDH23-related condition.

Allele frequency attached by ClinVar (database versions not stated): gnomAD exomes below 0.00001; TOPMed below 0.00001; ExAC 0.00001.
gnomAD v4.1: 5 of 1,613,954 alleles (0.00031%); highest among the groups gnomAD compares: African/African-American, 0.0027%; no homozygotes.

Submission:

PreventionGenetics, part of Exact Sciences
Classification: Likely benign for CDH23-related condition. Last evaluated: 2019-05-30. Review status: no assertion criteria provided. Collection method: clinical testing. Allele origin: germline.
Comment: This variant is classified as likely benign based on ACMG/AMP sequence variant interpretation guidelines (Richards et al. 2015 PMID: 25741868, with internal and published modifications).